The following is an entry in ClinVar:

ClinVar aggregate classification (germline): Pathogenic (1 of 4 stars; one submission).

Conditions:
Familial cancer of breast. Also called: Hereditary breast cancer; hereditary breast carcinoma; BREAST CANCER, FAMILIAL. Identifiers: Orphanet 227535, MedGen C0346153, MONDO:0016419, OMIM 114480. Disease mechanism: loss of function.

Submission:

Myriad Genetics, Inc.
Classification: Pathogenic for Familial cancer of breast. Last evaluated: 2025-03-24. Review status: criteria provided, single submitter. Criteria: Myriad Autosomal Dominant, Autosomal Recessive and X-Linked Classification Criteria (2023). Collection method: clinical testing. Allele origin: unknown.
Comment: This variant is considered pathogenic. This variant creates a frameshift predicted to result in premature protein truncation.

NM_024675.4(PALB2):c.1481del (p.Thr494fs)

Gene: PALB2 (partner and localizer of BRCA2; minus strand). Cytogenetic location: 16p12.2.
Variant type: Deletion.
Coding change: c.1481del on transcript NM_024675.4 (MANE Select); coding-DNA position 1481, one base deleted (C; older notation c.1481delC).
Protein change: p.Thr494fs; shifts the reading frame from threonine 494.
Molecular consequence: frameshift variant. On other transcripts: intron variant (3).
Genome position (GRCh38, 1-based): chr16:23,635,065, G deleted on the plus strand (C on the coding strand, the reverse complement: PALB2 is on the minus strand). VCF-style (leftmost placement, unchanged base first): chr16-23635064-AG-A. GRCh37 (hg19) VCF-style: chr16-23646385-AG-A.
Other names: c.49-5790del (NM_001407314.1); c.-104-4596del (NM_001407312.1, NM_001407313.1); c.1421del, p.Thr474fs (NM_001407296.1); c.1481del, p.Thr494fs (NM_001407297.1, NM_001407298.1, NM_001407299.1 and 3 more transcripts); c.596del, p.Thr199fs (NM_001407304.1, NM_001407305.1, NM_001407306.1 and 5 more transcripts); short protein forms T199fs, T474fs, T494fs.
Identifiers: ClinVar variation 3904746 (VCV003904746.1).